The following is an entry in ClinVar:

NM_006206.6(PDGFRA):c.496G>C (p.Gly166Arg)

Gene: PDGFRA (platelet derived growth factor receptor alpha; plus strand). Cytogenetic location: 4q12.
Variant type: single nucleotide variant.
Coding change: c.496G>C on transcript NM_006206.6 (MANE Select); coding-DNA position 496, G replaced by C.
Protein change: p.Gly166Arg; replaces glycine 166 with arginine.
Molecular consequence: missense variant.
Genome position (GRCh38, 1-based): chr4:54,263,795, G>C. VCF-style: chr4-54263795-G-C. GRCh37 (hg19) VCF-style: chr4-55129962-G-C.
Other names: c.496G>C, p.Gly166Arg (NM_001347827.2, NM_001347829.2); c.571G>C, p.Gly191Arg (NM_001347828.2); c.535G>C, p.Gly179Arg (NM_001347830.2); short protein forms G191R, G166R, G179R.
Identifiers: ClinVar variation 4743295 (VCV004743295.1).

ClinVar aggregate classification (germline): Uncertain significance (1 of 4 stars; one submission).

Conditions:
Gastrointestinal stromal tumor. Also called: Gastrointestinal stromal tumor, somatic; Gastrointestinal stroma tumor. Identifiers: Orphanet 44890, MedGen C0238198, MeSH D046152, MONDO:0011719, OMIM 606764, HP:0100723.

gnomAD v4.1: 1 of 1,614,050 alleles (0.000062%); highest among the groups gnomAD compares: South Asian, 0.0011%; no homozygotes.

Submission:

Labcorp Genetics (formerly Invitae), Labcorp
Classification: Uncertain significance for Gastrointestinal stromal tumor. Last evaluated: 2026-01-07. Review status: criteria provided, single submitter. Criteria: Invitae Variant Classification Sherloc (09022015). Collection method: clinical testing. Allele origin: germline.
Comment: This sequence change replaces glycine, which is neutral and non-polar, with arginine, which is basic and polar, at codon 166 of the PDGFRA protein (p.Gly166Arg). This variant is not present in population databases (gnomAD no frequency). This variant has not been reported in the literature in individuals affected with PDGFRA-related conditions. Invitae Evidence Modeling of protein sequence and biophysical properties (such as structural, functional, and spatial information, amino acid conservation, physicochemical variation, residue mobility, and thermodynamic stability) indicates that this missense variant is not expected to disrupt PDGFRA protein function with a negative predictive value of 80%. In summary, the available evidence is currently insufficient to determine the role of this variant in disease. Therefore, it has been classified as a Variant of Uncertain Significance.